The following is an entry in ClinVar:

NM_001271803.2(REEP2):c.496C>T (p.Pro166Ser)

Gene: REEP2 (receptor accessory protein 2; plus strand). Cytogenetic location: 5q31.2.
Variant type: single nucleotide variant.
Coding change: c.496C>T on transcript NM_001271803.2 (MANE Select); coding-DNA position 496, C replaced by T.
Protein change: p.Pro166Ser; replaces proline 166 with serine.
Molecular consequence: missense variant. On other transcripts: non-coding transcript variant (2).
Genome position (GRCh38, 1-based): chr5:138,445,306, C>T. VCF-style: chr5-138445306-C-T. GRCh37 (hg19) VCF-style: chr5-137780995-C-T.
Other names: c.490C>T, p.Pro164Ser (NM_016606.4); short protein forms P164S, P166S.
Identifiers: ClinVar variation 3696716 (VCV003696716.2).

ClinVar aggregate classification (germline): Uncertain significance (1 of 4 stars; one submission).

Conditions:
Hereditary spastic paraplegia 72 (SPG72A). Also called: Spastic paraplegia 72, autosomal recessive. Identifiers: Orphanet 401849, MedGen C5882669, MONDO:0014282, OMIM 615625.

Submission:

Labcorp Genetics (formerly Invitae), Labcorp
Classification: Uncertain significance for Hereditary spastic paraplegia 72. Last evaluated: 2024-12-06. Review status: criteria provided, single submitter. Criteria: Invitae Variant Classification Sherloc (09022015). Collection method: clinical testing. Allele origin: germline.
Comment: This sequence change replaces proline, which is neutral and non-polar, with serine, which is neutral and polar, at codon 166 of the REEP2 protein (p.Pro166Ser). This variant is not present in population databases (gnomAD no frequency). This variant has not been reported in the literature in individuals affected with REEP2-related conditions. An algorithm developed to predict the effect of missense changes on protein structure and function (PolyPhen-2) suggests that this variant is likely to be tolerated. In summary, the available evidence is currently insufficient to determine the role of this variant in disease. Therefore, it has been classified as a Variant of Uncertain Significance.